The following is an entry in ClinVar:

ClinVar aggregate classification (germline): Likely pathogenic (1 of 4 stars; one submission).

Conditions:
Hereditary hemochromatosis (HFE). Identifiers: MedGen C0392514, MONDO:0006507. Disease mechanism: loss of function.

Submission:

Labcorp Genetics (formerly Invitae), Labcorp
Classification: Likely pathogenic for Hereditary hemochromatosis. Last evaluated: 2024-03-07. Review status: criteria provided, single submitter. Criteria: Invitae Variant Classification Sherloc (09022015). Collection method: clinical testing. Allele origin: germline.
Comment: This sequence change affects a donor splice site in intron 14 of the TFR2 gene. It is expected to disrupt RNA splicing. Variants that disrupt the donor or acceptor splice site typically lead to a loss of protein function (PMID: 16199547), and loss-of-function variants in TFR2 are known to be pathogenic (PMID: 23600741, 26029709). This variant is not present in population databases (gnomAD no frequency). This variant has not been reported in the literature in individuals affected with TFR2-related conditions. Algorithms developed to predict the effect of sequence changes on RNA splicing suggest that this variant may disrupt the consensus splice site. In summary, the currently available evidence indicates that the variant is pathogenic, but additional data are needed to prove that conclusively. Therefore, this variant has been classified as Likely Pathogenic.

Literature cited by the submitters: PubMed 16199547; PubMed 23600741; PubMed 26029709.

NM_003227.4(TFR2):c.1682+1G>C

Gene: TFR2 (transferrin receptor 2; minus strand). Cytogenetic location: 7q22.1.
Variant type: single nucleotide variant.
Coding change: c.1682+1G>C on transcript NM_003227.4 (MANE Select); the canonical splice donor site of the intron after coding-DNA position 1682, G replaced by C.
Molecular consequence: splice donor variant.
Genome position (GRCh38, 1-based): chr7:100,627,743, C>G on the plus strand (G>C on the coding strand, the complement: TFR2 is on the minus strand). VCF-style: chr7-100627743-C-G. GRCh37 (hg19) VCF-style: chr7-100225366-C-G.
Other names: c.1169+1G>C (NM_001206855.3).
Identifiers: ClinVar variation 3644947 (VCV003644947.2).